The following is an entry in ClinVar:

ClinVar aggregate classification (germline): Pathogenic/Likely pathogenic. Review status: criteria provided, multiple submitters, no conflicts (2 of 4 stars). 7 submissions from 7 submitters: Pathogenic (5); Likely pathogenic (2). Last evaluated 2026-01-06.

Conditions:
MHC class II deficiency 4. Identifiers: MedGen C1859537, MONDO:0971015, OMIM 620817.
MHC class II deficiency. Also called: BLS, TYPE II; Bare lymphocyte syndrome 2. Identifiers: Orphanet 572, MedGen C5447452, MONDO:0008855.

Allele frequency attached by ClinVar (database versions not stated): gnomAD exomes 0.00001; gnomAD 0.00002; TOPMed 0.00002.
gnomAD v4.1: 48 of 1,542,944 alleles (0.0031%); highest among the groups gnomAD compares: Non-Finnish European, 0.0041%; no homozygotes.

Submissions (7):

GeneDx
Classification: Pathogenic. Last evaluated: 2026-01-06. Review status: criteria provided, single submitter. Criteria: GeneDx Variant Classification Process June 2021. Collection method: clinical testing. Allele origin: germline. Affected: yes.
Comment: Nonsense variant predicted to result in protein truncation or nonsense mediated decay in a gene for which loss of function is a known mechanism of disease; Has not been previously published as pathogenic or benign to our knowledge; This variant is associated with the following publications: (PMID: 31589614)

Labcorp Genetics (formerly Invitae), Labcorp
Classification: Pathogenic for MHC class II deficiency. Last evaluated: 2025-12-31. Review status: criteria provided, single submitter. Criteria: Invitae Variant Classification Sherloc (09022015). Collection method: clinical testing. Allele origin: germline.
Comment: This sequence change creates a premature translational stop signal (p.Gln43*) in the RFXAP gene. It is expected to result in an absent or disrupted protein product. Loss-of-function variants in RFXAP are known to be pathogenic (PMID: 9118943, 22390233). The frequency data for this variant in the population databases is considered unreliable, as metrics indicate poor data quality at this position in the gnomAD database. This variant has not been reported in the literature in individuals affected with RFXAP-related conditions. ClinVar contains an entry for this variant (Variation ID: 566425). For these reasons, this variant has been classified as Pathogenic.

Dasa
Classification: Pathogenic. Last evaluated: 2024-09-25. Review status: criteria provided, single submitter. Criteria: DASA Assertion Criteria. Collection method: clinical testing. Allele origin: germline.
Comment: NM_000538.4(RFXAP):c.127C>T (p.Gln43*) introduces a premature termination codon predicted to result in loss of normal protein function. Loss-of-function is an established mechanism of disease for this gene. This variant has been reported in individuals with related phenotype. The variant is present at low frequency in population datasets. Based on the available data, this variant is classified as pathogenic.

Fulgent Genetics
Classification: Likely pathogenic for MHC class II deficiency 4. Last evaluated: 2024-06-11. Review status: criteria provided, single submitter. Criteria: ACMG Guidelines, 2015. Collection method: clinical testing. Allele origin: germline.

3billion
Classification: Pathogenic for MHC class II deficiency 1. Last evaluated: 2023-02-23. Review status: criteria provided, single submitter. Criteria: ACMG Guidelines, 2015. Collection method: clinical testing. Allele origin: unknown. Affected: yes.
Comment: The variant is observed at an extremely low frequency in the gnomAD v2.1.1 dataset (total allele frequency: 0.001%). This variant was predicted to result in a loss or disruption of normal protein function through nonsense-mediated decay (NMD) or protein truncation. Multiple pathogenic variants are reported downstream of the variant. The variant has been reported at least twice as pathogenic with clinical assertions and evidence for the classification (ClinVar ID: VCV000566425 / PMID: 31589614). Therefore, this variant is classified as Pathogenic according to the recommendation of ACMG/AMP guideline.

Women's Health and Genetics/Laboratory Corporation of America, LabCorp
Classification: Likely pathogenic for MHC class II deficiency. Last evaluated: 2022-07-14. Review status: criteria provided, single submitter. Criteria: LabCorp Variant Classification Summary - May 2015. Collection method: clinical testing. Allele origin: germline.
Comment: Variant summary: RFXAP c.127C>T (p.Gln43X) results in a premature termination codon, predicted to cause a truncation of the encoded protein or absence of the protein due to nonsense mediated decay, which are commonly known mechanisms for disease. Truncations downstream of this position have been classified as pathogenic by our laboratory. The variant allele was found at a frequency of 1.4e-05 in 147392 control chromosomes. To our knowledge, no occurrence of c.127C>T in individuals affected with Bare Lymphocyte Syndrome 2 - RFXAP Related and no experimental evidence demonstrating its impact on protein function have been reported. Three clinical diagnostic laboratories have submitted clinical-significance assessments for this variant to ClinVar after 2014 without evidence for independent evaluation. All laboratories classified the variant as pathogenic/likely pathogenic. Based on the evidence outlined above, the variant was classified as likely pathogenic.

Institute for Clinical Genetics, University Hospital TU Dresden, University Hospital TU Dresden
Classification: Pathogenic. Last evaluated: 2021-11-03. Review status: criteria provided, single submitter. Criteria: ACMG Guidelines, 2015. Collection method: clinical testing. Allele origin: germline.

Literature cited by the submitters: PubMed 9118943 (cited by Labcorp Genetics (formerly Invitae), Labcorp); PubMed 22390233 (cited by Labcorp Genetics (formerly Invitae), Labcorp); PubMed 31589614 (cited by 3billion).

NM_000538.4(RFXAP):c.127C>T (p.Gln43Ter)

Genes: RFXAP (regulatory factor X associated protein; plus strand), LOC130009573 (ATAC-STARR-seq lymphoblastoid silent region 5267; plus strand). Cytogenetic location: 13q13.3.
Variant type: single nucleotide variant.
Coding change: c.127C>T on transcript NM_000538.4 (MANE Select); coding-DNA position 127, C replaced by T.
Protein change: p.Gln43Ter; replaces glutamine 43 with a stop codon.
Molecular consequence: nonsense.
Genome position (GRCh38, 1-based): chr13:36,819,484, C>T. VCF-style: chr13-36819484-C-T. GRCh37 (hg19) VCF-style: chr13-37393621-C-T.
Other names: short protein forms Q43*.
Identifiers: ClinVar variation 566425 (VCV000566425.17), dbSNP rs1313207845, ClinGen allele CA387852269.